The following is an entry in ClinVar:

ClinVar aggregate classification (germline): Uncertain significance. Review status: criteria provided, multiple submitters, no conflicts (2 of 4 stars). 2 submissions from 2 submitters: Uncertain significance (2). Last evaluated 2024-05-29.

gnomAD v4.1: 14 of 1,597,988 alleles (0.00088%); highest among the groups gnomAD compares: Middle Eastern, 0.049%; no homozygotes.

Submissions (3):

Blueprint Genetics
Classification: Uncertain significance. Last evaluated: 2024-05-29. Review status: criteria provided, single submitter. Criteria: ACMG Guidelines, 2015. Collection method: clinical testing. Allele origin: germline.

Labcorp Genetics (formerly Invitae), Labcorp
Classification: Uncertain significance. Last evaluated: 2022-07-30. Review status: criteria provided, single submitter. Criteria: Invitae Variant Classification Sherloc (09022015). Collection method: clinical testing. Allele origin: germline.
Comment: This sequence change replaces proline, which is neutral and non-polar, with arginine, which is basic and polar, at codon 803 of the SZT2 protein (p.Pro803Arg). This variant is present in population databases (no rsID available, gnomAD no frequency). This variant has not been reported in the literature in individuals affected with SZT2-related conditions. Algorithms developed to predict the effect of missense changes on protein structure and function (SIFT, PolyPhen-2, Align-GVGD) all suggest that this variant is likely to be tolerated. In summary, the available evidence is currently insufficient to determine the role of this variant in disease. Therefore, it has been classified as a Variant of Uncertain Significance.

Dr. Peter K. Rogan Lab, Western University
No classification provided (evidence only). Condition: Thymoma. Review status: no classification provided. Collection method: in vitro. Allele origin: not applicable. Functional consequence: retained intron. Not counted in ClinVar's aggregate classification.

NM_001365999.1(SZT2):c.2408C>G (p.Pro803Arg)

Gene: SZT2 (SZT2 subunit of KICSTOR complex; plus strand). Cytogenetic location: 1p34.2.
Variant type: single nucleotide variant.
Coding change: c.2408C>G on transcript NM_001365999.1 (MANE Select); coding-DNA position 2408, C replaced by G.
Protein change: p.Pro803Arg; replaces proline 803 with arginine.
Molecular consequence: missense variant.
Genome position (GRCh38, 1-based): chr1:43,424,369, C>G. VCF-style: chr1-43424369-C-G. GRCh37 (hg19) VCF-style: chr1-43890040-C-G.
Other names: c.2408C>G, p.Pro803Arg (NM_015284.4); short protein forms P803R.
Identifiers: ClinVar variation 2169756 (VCV002169756.3), dbSNP rs1036653663, ClinGen allele CA21631527.